The following is an entry in ClinVar:

ClinVar aggregate classification (germline): Uncertain significance. Review status: criteria provided, multiple submitters, no conflicts (2 of 4 stars). 2 submissions from 2 submitters: Uncertain significance (2). Last evaluated 2024-12-07.

Allele frequency attached by ClinVar (database versions not stated): TOPMed 0.00001.

Submissions (2):

GeneDx
Classification: Uncertain significance. Last evaluated: 2024-12-07. Review status: criteria provided, single submitter. Criteria: GeneDx Variant Classification Process June 2021. Collection method: clinical testing. Allele origin: germline.
Comment: In silico analysis supports that this missense variant does not alter protein structure/function; Has not been previously published as pathogenic or benign to our knowledge

Labcorp Genetics (formerly Invitae), Labcorp
Classification: Uncertain significance. Last evaluated: 2024-02-23. Review status: criteria provided, single submitter. Criteria: Invitae Variant Classification Sherloc (09022015). Collection method: clinical testing. Allele origin: germline.
Comment: This sequence change replaces proline, which is neutral and non-polar, with serine, which is neutral and polar, at codon 11 of the FBXO11 protein (p.Pro11Ser). The frequency data for this variant in the population databases is considered unreliable, as metrics indicate poor data quality at this position in the gnomAD database. This variant has not been reported in the literature in individuals affected with FBXO11-related conditions. Experimental studies and prediction algorithms are not available or were not evaluated, and the functional significance of this variant is currently unknown. In summary, the available evidence is currently insufficient to determine the role of this variant in disease. Therefore, it has been classified as a Variant of Uncertain Significance.

NM_001190274.2(FBXO11):c.31C>T (p.Pro11Ser)

Genes: FBXO11 (F-box protein 11; minus strand), LOC100506235 (uncharacterized LOC100506235; plus strand). Cytogenetic location: 2p16.3.
Variant type: single nucleotide variant.
Coding change: c.31C>T on transcript NM_001190274.2 (MANE Select); coding-DNA position 31, C replaced by T.
Protein change: p.Pro11Ser; replaces proline 11 with serine.
Molecular consequence: missense variant. On other transcripts: non-coding transcript variant (1).
Genome position (GRCh38, 1-based): chr2:47,905,690, G>A on the plus strand (C>T on the coding strand, the complement: FBXO11 is on the minus strand). VCF-style: chr2-47905690-G-A. GRCh37 (hg19) VCF-style: chr2-48132829-G-A.
Other names: c.31C>T (NM_001190274.1); short protein forms P11S.
Identifiers: ClinVar variation 2808845 (VCV002808845.5), dbSNP rs765824622, ClinGen allele CA1650258.
Genomic context (GRCh38, chr2:47,905,690, plus strand): 5'-GCTGCTGCGGGGGCTGCTGCTGCTGTTGCTGCACCGGGCGCGGCCGCGACACTCGCCTGG[G>A]TCTCCGGTTGGCGGCTCGGACGGAGTTCATTTGCCGGGCTGAGGTGGCGGCGTTGGCGGA-3'
Protein context (NP_001177203.1, residues 1-21): MNSVRAANRR[Pro11Ser]RRVSRPRPVQ